The following is an entry in ClinVar:

NM_001963.6(EGF):c.1833A>T (p.Arg611Ser)

Gene: EGF (epidermal growth factor; plus strand). Cytogenetic location: 4q25.
Variant type: single nucleotide variant.
Coding change: c.1833A>T on transcript NM_001963.6 (MANE Select); coding-DNA position 1833, A replaced by T.
Protein change: p.Arg611Ser; replaces arginine 611 with serine.
Molecular consequence: missense variant.
Genome position (GRCh38, 1-based): chr4:109,976,015, A>T. VCF-style: chr4-109976015-A-T. GRCh37 (hg19) VCF-style: chr4-110897171-A-T.
Other names: c.1833A>T, p.Arg611Ser (NM_001178130.3); c.1707A>T, p.Arg569Ser (NM_001178131.3, NM_001357021.2); short protein forms R569S, R611S.
Identifiers: ClinVar variation 3649078 (VCV003649078.2).

ClinVar aggregate classification (germline): Uncertain significance (1 of 4 stars; one submission).

Submission:

Labcorp Genetics (formerly Invitae), Labcorp
Classification: Uncertain significance. Last evaluated: 2024-08-05. Review status: criteria provided, single submitter. Criteria: Invitae Variant Classification Sherloc (09022015). Collection method: clinical testing. Allele origin: germline.
Comment: This sequence change replaces arginine, which is basic and polar, with serine, which is neutral and polar, at codon 611 of the EGF protein (p.Arg611Ser). This variant is not present in population databases (gnomAD no frequency). This variant has not been reported in the literature in individuals affected with EGF-related conditions. An algorithm developed to predict the effect of missense changes on protein structure and function (PolyPhen-2) suggests that this variant is likely to be disruptive. Algorithms developed to predict the effect of sequence changes on RNA splicing suggest that this variant may disrupt the consensus splice site. In summary, the available evidence is currently insufficient to determine the role of this variant in disease. Therefore, it has been classified as a Variant of Uncertain Significance.